The following is an entry in ClinVar:

ClinVar aggregate classification (germline): Uncertain significance (1 of 4 stars; one submission).

Conditions:
Acrocallosal syndrome (ACLS). Also called: HALLUX DUPLICATION, POSTAXIAL POLYDACTYLY, AND ABSENCE OF CORPUS CALLOSUM; Schinzel syndrome 1; Absence of corpus callosum with unusual facial appearance, mental deficiency, duplication of the halluces and polydactyly. Identifiers: Orphanet 36, MedGen C0796147, MONDO:0008708, OMIM 200990.

Submission:

Labcorp Genetics (formerly Invitae), Labcorp
Classification: Uncertain significance for Acrocallosal syndrome. Last evaluated: 2023-08-30. Review status: criteria provided, single submitter. Criteria: Invitae Variant Classification Sherloc (09022015). Collection method: clinical testing. Allele origin: germline.
Comment: This sequence change replaces leucine, which is neutral and non-polar, with valine, which is neutral and non-polar, at codon 1045 of the KIF7 protein (p.Leu1045Val). This variant is not present in population databases (gnomAD no frequency). This variant has not been reported in the literature in individuals affected with KIF7-related conditions. ClinVar contains an entry for this variant (Variation ID: 2092502). Advanced modeling of protein sequence and biophysical properties (such as structural, functional, and spatial information, amino acid conservation, physicochemical variation, residue mobility, and thermodynamic stability) has been performed at Invitae for this missense variant, however the output from this modeling did not meet the statistical confidence thresholds required to predict the impact of this variant on KIF7 protein function. In summary, the available evidence is currently insufficient to determine the role of this variant in disease. Therefore, it has been classified as a Variant of Uncertain Significance.

NM_198525.3(KIF7):c.3133T>G (p.Leu1045Val)

Gene: KIF7 (kinesin family member 7; minus strand). Cytogenetic location: 15q26.1.
Variant type: single nucleotide variant.
Coding change: c.3133T>G on transcript NM_198525.3 (MANE Select); coding-DNA position 3133, T replaced by G.
Protein change: p.Leu1045Val; replaces leucine 1045 with valine.
Molecular consequence: missense variant.
Genome position (GRCh38, 1-based): chr15:89,630,472, A>C on the plus strand (T>G on the coding strand, the complement: KIF7 is on the minus strand). VCF-style: chr15-89630472-A-C. GRCh37 (hg19) VCF-style: chr15-90173703-A-C.
Other names: short protein forms L1045V.
Identifiers: ClinVar variation 2092502 (VCV002092502.4), dbSNP rs916572967, ClinGen allele CA393756215.